The following is an entry in ClinVar:

NM_033056.4(PCDH15):c.4548_4551del (p.Ser1517fs)

Gene: PCDH15 (protocadherin related 15; minus strand). Cytogenetic location: 10q21.1.
Variant type: Deletion.
Coding change: c.4548_4551del on transcript NM_033056.4 (MANE Plus Clinical); coding-DNA positions 4548 to 4551, 4 bases deleted (ATCT; older notation c.4548_4551delATCT).
Protein change: p.Ser1517fs; shifts the reading frame from serine 1517.
Molecular consequence: frameshift variant. On other transcripts: intron variant (8).
Genome position (GRCh38, 1-based): chr10:53,823,175-53,823,178, AGAT deleted on the plus strand (ATCT on the coding strand, the reverse complement: PCDH15 is on the minus strand); deleting any 4 consecutive bases within chr10:53,823,175-53,823,181 gives the same sequence; the c. name uses the placement nearest the transcript's 3' end. VCF-style (leftmost placement, unchanged base first): chr10-53823174-CAGAT-C. GRCh37 (hg19) VCF-style: chr10-55582934-CAGAT-C.
Other names: c.4548_4551del (NM_033056.3); c.4569_4572del, p.Ser1524fs (NM_001142763.2); c.4554_4557del, p.Ser1519fs (NM_001142764.2); c.4341_4344del, p.Ser1448fs (NM_001142765.2); c.4539_4542del, p.Ser1514fs (NM_001142766.2); c.4428_4431del, p.Ser1477fs (NM_001142767.2); c.4488_4491del, p.Ser1497fs (NM_001142768.2); c.4479_4482del, p.Ser1494fs (NM_001142773.2); and 7 more; short protein forms S1477fs, S1495fs, S1448fs, S1497fs, S1514fs, S1517fs, S1519fs, S1494fs.
Identifiers: ClinVar variation 556848 (VCV000556848.13), dbSNP rs1233449433, ClinGen allele CA593783053.

ClinVar aggregate classification (germline): Conflicting classifications of pathogenicity. Review status: criteria provided, conflicting classifications (1 of 4 stars). 4 submissions from 4 submitters: Pathogenic (1); Likely pathogenic (1); Uncertain significance (1). 1 of the submissions does not count toward it. Last evaluated 2025-01-21.

Conditions:
Autosomal recessive nonsyndromic hearing loss 23. Identifiers: Orphanet 90636, MedGen C1836027, MONDO:0012293, OMIM 609533.
Usher syndrome type 1D (USH1D). Also called: USHER SYNDROME, TYPE ID. Identifiers: Orphanet 231169, Orphanet 886, MedGen C1832845, MONDO:0010984, OMIM 601067.
Usher syndrome type 1F (USH1F). Also called: USHER SYNDROME, TYPE IF. Identifiers: Orphanet 231169, Orphanet 886, MedGen C1865885, MONDO:0011186, OMIM 602083.

Submissions (4):

Labcorp Genetics (formerly Invitae), Labcorp
Classification: Pathogenic. Last evaluated: 2025-01-21. Review status: criteria provided, single submitter. Criteria: Invitae Variant Classification Sherloc (09022015). Collection method: clinical testing. Allele origin: germline.
Comment: This sequence change creates a premature translational stop signal (p.Ser1517Metfs*5) in the PCDH15 gene. While this is not anticipated to result in nonsense mediated decay, it is expected to disrupt the last 439 amino acid(s) of the PCDH15 protein. This variant is present in population databases (no rsID available, gnomAD no frequency). This variant has not been reported in the literature in individuals affected with PCDH15-related conditions. ClinVar contains an entry for this variant (Variation ID: 556848). Algorithms developed to predict the effect of sequence changes on RNA splicing suggest that this variant may disrupt the consensus splice site. This variant disrupts a region of the PCDH15 protein in which other variant(s) (p.Q1576*) have been determined to be pathogenic (PMID: 28281779). This suggests that this is a clinically significant region of the protein, and that variants that disrupt it are likely to be disease-causing. For these reasons, this variant has been classified as Pathogenic.

Fulgent Genetics
Classification: Likely pathogenic for Usher syndrome type 1D; Usher syndrome type 1F; Autosomal recessive nonsyndromic hearing loss 23. Last evaluated: 2024-05-25. Review status: criteria provided, single submitter. Criteria: ACMG Guidelines, 2015. Collection method: clinical testing. Allele origin: germline.

Blueprint Genetics
Classification: Uncertain significance. Last evaluated: 2022-11-18. Review status: criteria provided, single submitter. Criteria: ACMG Guidelines, 2015. Collection method: clinical testing. Allele origin: germline.

Counsyl
Classification: Uncertain significance for Usher syndrome type 1F. Last evaluated: 2018-03-01. Review status: no assertion criteria provided. Collection method: clinical testing. Allele origin: unknown. Not counted in ClinVar's aggregate classification.

Literature cited by the submitters: PubMed 28281779 (cited by Labcorp Genetics (formerly Invitae), Labcorp).